The following is an entry in ClinVar:

NM_000168.6(GLI3):c.807A>T (p.Glu269Asp)

Gene: GLI3 (GLI family zinc finger 3; minus strand). Cytogenetic location: 7p14.1.
Variant type: single nucleotide variant.
Coding change: c.807A>T on transcript NM_000168.6 (MANE Select); coding-DNA position 807, A replaced by T.
Protein change: p.Glu269Asp; replaces glutamic acid 269 with aspartic acid.
Molecular consequence: missense variant.
Genome position (GRCh38, 1-based): chr7:42,045,403, T>A on the plus strand (A>T on the coding strand, the complement: GLI3 is on the minus strand). VCF-style: chr7-42045403-T-A. GRCh37 (hg19) VCF-style: chr7-42085002-T-A.
Other names: short protein forms E269D.
Identifiers: ClinVar variation 4997875 (VCV004997875.1).

ClinVar aggregate classification (germline): Uncertain significance (1 of 4 stars; one submission).

Conditions:
GLI3-related disorder. Also called: GLI3-related condition; GLI3-related disorders. Identifiers: MedGen CN239292.

Submission:

PreventionGenetics, part of Exact Sciences
Classification: Uncertain significance for GLI3-related condition. Last evaluated: 2025-04-21. Review status: criteria provided, single submitter. Criteria: ACMG Guidelines, 2015. Collection method: clinical testing. Allele origin: germline.
Comment: The GLI3 c.807A>T variant is predicted to result in the amino acid substitution p.Glu269Asp. To our knowledge, this variant has not been reported in the literature or in a large population database (gnomAD), indicating this variant is rare. At this time, the clinical significance of this variant is uncertain due to the absence of conclusive functional and genetic evidence.